The following is an entry in ClinVar:

ClinVar aggregate classification (germline): Uncertain significance (1 of 4 stars; one submission).

gnomAD v4.1: 2 of 1,613,700 alleles (0.00012%); highest among the groups gnomAD compares: Non-Finnish European, 0.00017%; no homozygotes.

Submission:

Labcorp Genetics (formerly Invitae), Labcorp
Classification: Uncertain significance. Last evaluated: 2025-02-17. Review status: criteria provided, single submitter. Criteria: Invitae Variant Classification Sherloc (09022015). Collection method: clinical testing. Allele origin: germline.
Comment: This sequence change replaces glycine, which is neutral and non-polar, with valine, which is neutral and non-polar, at codon 116 of the CYP51A1 protein (p.Gly116Val). This variant is not present in population databases (gnomAD no frequency). This variant has not been reported in the literature in individuals affected with CYP51A1-related conditions. An algorithm developed to predict the effect of missense changes on protein structure and function (PolyPhen-2) suggests that this variant is likely to be disruptive. In summary, the available evidence is currently insufficient to determine the role of this variant in disease. Therefore, it has been classified as a Variant of Uncertain Significance.

NM_000786.4(CYP51A1):c.347G>T (p.Gly116Val)

Gene: CYP51A1 (cytochrome P450 family 51 subfamily A member 1; minus strand). Cytogenetic location: 7q21.2.
Variant type: single nucleotide variant.
Coding change: c.347G>T on transcript NM_000786.4 (MANE Select); coding-DNA position 347, G replaced by T.
Protein change: p.Gly116Val; replaces glycine 116 with valine.
Molecular consequence: missense variant.
Genome position (GRCh38, 1-based): chr7:92,129,001, C>A on the plus strand (G>T on the coding strand, the complement: CYP51A1 is on the minus strand). VCF-style: chr7-92129001-C-A. GRCh37 (hg19) VCF-style: chr7-91758315-C-A.
Other names: c.32G>T, p.Gly11Val (NM_001146152.2); short protein forms G116V, G11V.
Identifiers: ClinVar variation 3696929 (VCV003696929.2).